The following is an entry in ClinVar:

NM_001270.4(CHD1):c.513_514del (p.Ser173fs)

Gene: CHD1 (chromodomain helicase DNA binding protein 1; minus strand). Cytogenetic location: 5q21.1.
Variant type: Microsatellite.
Coding change: c.513_514del on transcript NM_001270.4 (MANE Select); coding-DNA positions 513 to 514, 2 bases deleted (GA; older notation c.513_514delGA).
Protein change: p.Ser173fs; shifts the reading frame from serine 173.
Molecular consequence: frameshift variant. On other transcripts: non-coding transcript variant (2).
Genome position (GRCh38, 1-based): chr5:98,901,259-98,901,260, TC deleted on the plus strand (GA on the coding strand, the reverse complement: CHD1 is on the minus strand); deleting any 2 consecutive bases within chr5:98,901,259-98,901,269 gives the same sequence; the c. name uses the placement nearest the transcript's 3' end. VCF-style (leftmost placement, unchanged base first): chr5-98901258-TTC-T. GRCh37 (hg19) VCF-style: chr5-98236962-TTC-T.
Other names: c.513_514del, p.Ser173fs (NM_001364113.3, NM_001376194.2); short protein forms S173fs.
Identifiers: ClinVar variation 4975562 (VCV004975562.1).

ClinVar aggregate classification (germline): Uncertain significance (1 of 4 stars; one submission).

Submission:

GeneDx
Classification: Uncertain significance. Last evaluated: 2026-01-22. Review status: criteria provided, single submitter. Criteria: GeneDx Variant Classification Process June 2021. Collection method: clinical testing. Allele origin: germline.
Comment: Not observed at significant frequency in large population cohorts (gnomAD); Frameshift variant predicted to result in protein truncation or nonsense mediated decay in a gene or region of a gene for which loss of function is not a well-established mechanism of disease; Has not been previously published as pathogenic or benign to our knowledge